The following is an entry in ClinVar:

NM_024642.5(GALNT12):c.242C>T (p.Ala81Val)

Gene: GALNT12 (polypeptide N-acetylgalactosaminyltransferase 12; plus strand). Cytogenetic location: 9q22.33.
Variant type: single nucleotide variant.
Coding change: c.242C>T on transcript NM_024642.5 (MANE Select); coding-DNA position 242, C replaced by T.
Protein change: p.Ala81Val; replaces alanine 81 with valine.
Molecular consequence: missense variant.
Genome position (GRCh38, 1-based): chr9:98,807,940, C>T. VCF-style: chr9-98807940-C-T. GRCh37 (hg19) VCF-style: chr9-101570222-C-T.
Other names: short protein forms A81V.
Identifiers: ClinVar variation 1791146 (VCV001791146.2), dbSNP rs2118257357, ClinGen allele CA374222595.
Genomic context (GRCh38, chr9:98,807,940, plus strand): 5'-GCGAGCCGGTCATGCCGCGGCCGCCGGTGCCGGCGAACGCGCTGGGCGCGCGGGGCGAGG[C>T]GGTGCGGCTGCAGCTGCAGGGCGAGGAGCTGCGGCTGCAGGAGGAGAGCGTGCGGCTGCA-3'
Protein context (NP_078918.3, residues 71-91): PANALGARGE[Ala81Val]VRLQLQGEEL

ClinVar aggregate classification (germline): Uncertain significance (1 of 4 stars; one submission).

Submission:

Ambry Genetics
Classification: Uncertain significance. Last evaluated: 2022-10-27. Review status: criteria provided, single submitter. Criteria: Ambry Variant Classification Scheme 2023. Collection method: clinical testing. Allele origin: germline.
Comment: The p.A81V variant (also known as c.242C>T), located in coding exon 1 of the GALNT12 gene, results from a C to T substitution at nucleotide position 242. The alanine at codon 81 is replaced by valine, an amino acid with similar properties. This amino acid position is conserved. In addition, this alteration is predicted to be tolerated by in silico analysis. Since supporting evidence is limited at this time, the clinical significance of this alteration remains unclear.